The following is an entry in ClinVar:

ClinVar aggregate classification (germline): Likely benign. Review status: criteria provided, single submitter (1 of 4 stars). 2 submissions from 2 submitters: Likely benign (1). 1 of the submissions does not count toward it. Last evaluated 2021-07-01.

Conditions:
REST-related disorder. Also called: REST-related condition.

Allele frequency attached by ClinVar (database versions not stated): gnomAD exomes below 0.00001; TOPMed 0.00002; gnomAD 0.00003.
gnomAD v4.1: 8 of 1,614,068 alleles (0.0005%); highest among the groups gnomAD compares: African/African-American, 0.008%; no homozygotes.

Submissions (2):

Labcorp Genetics (formerly Invitae), Labcorp
Classification: Likely benign. Last evaluated: 2021-07-01. Review status: criteria provided, single submitter. Criteria: Invitae Variant Classification Sherloc (09022015). Collection method: clinical testing. Allele origin: germline.

PreventionGenetics, part of Exact Sciences
Classification: Likely benign for REST-related condition. Last evaluated: 2022-01-28. Review status: no assertion criteria provided. Collection method: clinical testing. Allele origin: germline. Not counted in ClinVar's aggregate classification.
Comment: This variant is classified as likely benign based on ACMG/AMP sequence variant interpretation guidelines (Richards et al. 2015 PMID: 25741868, with internal and published modifications).

NM_005612.5(REST):c.459C>T (p.Ser153=)

Gene: REST (RE1 silencing transcription factor; plus strand). Cytogenetic location: 4q12.
Variant type: single nucleotide variant.
Coding change: c.459C>T on transcript NM_005612.5 (MANE Select); coding-DNA position 459, C replaced by T.
Protein change: p.Ser153=; no amino-acid change (serine 153 retained).
Molecular consequence: synonymous variant.
Genome position (GRCh38, 1-based): chr4:56,911,097, C>T. VCF-style: chr4-56911097-C-T. GRCh37 (hg19) VCF-style: chr4-57777263-C-T.
Other names: c.459C>T, p.Ser153= (NM_001193508.2, NM_001363453.3).
Identifiers: ClinVar variation 1589591 (VCV001589591.10), dbSNP rs993386063, ClinGen allele CA97629561.
Genomic context (GRCh38, chr4:56,911,097, plus strand): 5'-TTACAGTTCAAATAAAGATCTTCCCCCTGAAACACCTGGAGCGGAGGACAAAGGCAAGAG[C>T]TCGAAGACCAAACCCTTTCGCTGTAAGCCATGCCAATATGAAGCAGAATCTGAAGAACAG-3'
Protein context (NP_005603.3, residues 143-163): ETPGAEDKGK[Ser153=]SKTKPFRCKP